The following is an entry in ClinVar:

ClinVar aggregate classification (germline): Uncertain significance (1 of 4 stars; one submission).

Conditions:
Catecholaminergic polymorphic ventricular tachycardia 1. Also called: VENTRICULAR TACHYCARDIA, STRESS-INDUCED POLYMORPHIC 1; RYR2-Related Catecholaminergic Polymorphic Ventricular Tachycardia; VENTRICULAR TACHYCARDIA, CATECHOLAMINERGIC POLYMORPHIC, 1, WITH OR WITHOUT ATRIAL DYSFUNCTION AND/OR DILATED CARDIOMYOPATHY. Identifiers: Orphanet 3286, MedGen C1631597, MONDO:0011484, OMIM 604772.

Submission:

Labcorp Genetics (formerly Invitae), Labcorp
Classification: Uncertain significance for Catecholaminergic polymorphic ventricular tachycardia 1. Last evaluated: 2025-04-10. Review status: criteria provided, single submitter. Criteria: Invitae Variant Classification Sherloc (09022015). Collection method: clinical testing. Allele origin: germline.
Comment: This sequence change replaces threonine, which is neutral and polar, with isoleucine, which is neutral and non-polar, at codon 707 of the TRDN protein (p.Thr707Ile). This variant is not present in population databases (gnomAD no frequency). This variant has not been reported in the literature in individuals affected with TRDN-related conditions. An algorithm developed to predict the effect of missense changes on protein structure and function (PolyPhen-2) suggests that this variant is likely to be disruptive. In summary, the available evidence is currently insufficient to determine the role of this variant in disease. Therefore, it has been classified as a Variant of Uncertain Significance.

NM_006073.4(TRDN):c.2120C>T (p.Thr707Ile)

Gene: TRDN (triadin; minus strand). Cytogenetic location: 6q22.31.
Variant type: single nucleotide variant.
Coding change: c.2120C>T on transcript NM_006073.4 (MANE Select); coding-DNA position 2120, C replaced by T.
Protein change: p.Thr707Ile; replaces threonine 707 with isoleucine.
Molecular consequence: missense variant.
Genome position (GRCh38, 1-based): chr6:123,218,671, G>A on the plus strand (C>T on the coding strand, the complement: TRDN is on the minus strand). VCF-style: chr6-123218671-G-A. GRCh37 (hg19) VCF-style: chr6-123539816-G-A.
Other names: short protein forms T707I.
Identifiers: ClinVar variation 4803986 (VCV004803986.1).
Genomic context (GRCh38, chr6:123,218,671, plus strand): 5'-TGTTGCTTCTGTCCTGGAGAATTTGCTTGACCAGAGCTCTCTCCAGGGCGGTCTGCAGGA[G>A]TGAAAGGAAACTGAAATCCATAGCCATTGTACCCATCCAAGTAGACACACTGGAAGAAAC-3'
Protein context (NP_006064.2, residues 697-717): YNGYGFQFPF[Thr707Ile]PADRPGESSG